The following is an entry in ClinVar:

NM_001039591.3(USP9X):c.3850G>T (p.Val1284Phe)

Gene: USP9X (ubiquitin specific peptidase 9 X-linked; plus strand). Cytogenetic location: Xp11.4.
Variant type: single nucleotide variant.
Coding change: c.3850G>T on transcript NM_001039591.3 (MANE Select); coding-DNA position 3850, G replaced by T.
Protein change: p.Val1284Phe; replaces valine 1284 with phenylalanine.
Molecular consequence: missense variant.
Genome position (GRCh38, 1-based): chrX:41,189,348, G>T. VCF-style: chrX-41189348-G-T. GRCh37 (hg19) VCF-style: chrX-41048601-G-T.
Other names: c.3850G>T, p.Val1284Phe (NM_001039590.3); c.3865G>T, p.Val1289Phe (NM_001410748.1, NM_001410749.1, NM_001437534.1); short protein forms V1284F, V1289F.
Identifiers: ClinVar variation 4075479 (VCV004075479.1).

ClinVar aggregate classification (germline): Uncertain significance (1 of 4 stars; one submission).

Submission:

GeneDx
Classification: Uncertain significance. Last evaluated: 2025-02-11. Review status: criteria provided, single submitter. Criteria: GeneDx Variant Classification Process June 2021. Collection method: clinical testing. Allele origin: germline. Affected: yes.
Comment: Not observed at significant frequency in large population cohorts (gnomAD); In silico analysis supports that this missense variant has a deleterious effect on protein structure/function; Has not been previously published as pathogenic or benign to our knowledge